The following is an entry in ClinVar:

NM_001134363.3(RBM20):c.3344C>T (p.Ser1115Phe)

Gene: RBM20 (RNA binding motif protein 20; plus strand). Cytogenetic location: 10q25.2.
Variant type: single nucleotide variant.
Coding change: c.3344C>T on transcript NM_001134363.3 (MANE Select); coding-DNA position 3344, C replaced by T.
Protein change: p.Ser1115Phe; replaces serine 1115 with phenylalanine.
Molecular consequence: missense variant.
Genome position (GRCh38, 1-based): chr10:110,823,507, C>T. VCF-style: chr10-110823507-C-T. GRCh37 (hg19) VCF-style: chr10-112583265-C-T.
Other names: short protein forms S1115F.
Identifiers: ClinVar variation 538030 (VCV000538030.37), dbSNP rs769531546, ClinGen allele CA378383520.
Genomic context (GRCh38, chr10:110,823,507, plus strand): 5'-TTTTTTTTTTTTGCCTTGGTTCATGTTTTGCAGAAAACTCCAGGTACGTGGAAATGAAAT[C>T]TCTGGAGGTGAGGTCACCAGAGTACACTGAAGTGGAACTGAAACAGCCCCTTTCTTTGCC-3'
Protein context (NP_001127835.2, residues 1105-1125): PENSRYVEMK[Ser1115Phe]LEVRSPEYTE

ClinVar aggregate classification (germline): Conflicting classifications of pathogenicity. Review status: criteria provided, conflicting classifications (1 of 4 stars). 7 submissions from 7 submitters: Uncertain significance (3); Likely benign (2). 2 of the submissions do not count toward it. Last evaluated 2025-12-03.

Conditions:
Cardiovascular phenotype. Identifiers: MedGen CN230736.
Dilated cardiomyopathy 1DD (CMD1DD). Identifiers: Orphanet 154, MedGen C2750995, MONDO:0013168, OMIM 613172.

Allele frequency attached by ClinVar (database versions not stated): gnomAD 0.00004.
gnomAD v4.1: 20 of 1,479,414 alleles (0.0014%); highest among the groups gnomAD compares: Admixed American, 0.0022%; no homozygotes.

Submissions (7):

Labcorp Genetics (formerly Invitae), Labcorp
Classification: Likely benign for Dilated cardiomyopathy 1DD. Last evaluated: 2025-12-03. Review status: criteria provided, single submitter. Criteria: Invitae Variant Classification Sherloc (09022015). Collection method: clinical testing. Allele origin: germline.

Ambry Genetics
Classification: Uncertain significance for Cardiovascular phenotype. Last evaluated: 2025-11-17. Review status: criteria provided, single submitter. Criteria: Ambry Variant Classification Scheme 2023. Collection method: clinical testing. Allele origin: germline.
Comment: The p.S1115F variant (also known as c.3344C>T), located in coding exon 12 of the RBM20 gene, results from a C to T substitution at nucleotide position 3344. The serine at codon 1115 is replaced by phenylalanine, an amino acid with highly dissimilar properties. This amino acid position is conserved. In addition, this alteration is predicted to be tolerated by in silico analysis. Since supporting evidence is limited at this time, the clinical significance of this alteration remains unclear.

CeGaT Center for Human Genetics Tuebingen
Classification: Likely benign. Last evaluated: 2023-04-01. Review status: criteria provided, single submitter. Criteria: CeGaT Center For Human Genetics Tuebingen Variant Classification Criteria Version 2. Collection method: clinical testing. Allele origin: germline. Affected: yes. Observed: 1 variant allele.
Comment: RBM20: BP4

Blueprint Genetics
Classification: Uncertain significance. Last evaluated: 2022-08-18. Review status: criteria provided, single submitter. Criteria: ACMG Guidelines, 2015. Collection method: clinical testing. Allele origin: germline.

Fulgent Genetics
Classification: Uncertain significance for Dilated cardiomyopathy 1DD. Last evaluated: 2021-11-17. Review status: criteria provided, single submitter. Criteria: ACMG Guidelines, 2015. Collection method: clinical testing. Allele origin: unknown.

Clinical Genetics DNA and cytogenetics Diagnostics Lab, Erasmus MC, Erasmus Medical Center
Classification: Uncertain significance. Review status: no assertion criteria provided. Collection method: clinical testing. Allele origin: germline. Affected: yes. Study: VKGL Data-share Consensus. Not counted in ClinVar's aggregate classification.

Genome Diagnostics Laboratory, University Medical Center Utrecht
Classification: Uncertain significance. Review status: no assertion criteria provided. Collection method: clinical testing. Allele origin: germline. Affected: yes. Study: VKGL Data-share Consensus. Not counted in ClinVar's aggregate classification.